The following is an entry in ClinVar:

NM_001142864.4(PIEZO1):c.5237T>A (p.Leu1746Gln)

Gene: PIEZO1 (piezo type mechanosensitive ion channel component 1 (Er blood group); minus strand). Cytogenetic location: 16q24.3.
Variant type: single nucleotide variant.
Coding change: c.5237T>A on transcript NM_001142864.4 (MANE Select); coding-DNA position 5237, T replaced by A.
Protein change: p.Leu1746Gln; replaces leucine 1746 with glutamine.
Molecular consequence: missense variant.
Genome position (GRCh38, 1-based): chr16:88,721,704, A>T on the plus strand (T>A on the coding strand, the complement: PIEZO1 is on the minus strand). VCF-style: chr16-88721704-A-T. GRCh37 (hg19) VCF-style: chr16-88788112-A-T.
Other names: short protein forms L1746Q.
Identifiers: ClinVar variation 5010078 (VCV005010078.1).

ClinVar aggregate classification (germline): Uncertain significance (1 of 4 stars; one submission).

Submission:

GeneDx
Classification: Uncertain significance. Last evaluated: 2026-02-24. Review status: criteria provided, single submitter. Criteria: GeneDx Variant Classification Process June 2021. Collection method: clinical testing. Allele origin: germline.
Comment: Not observed at significant frequency in large population cohorts (gnomAD); In silico analysis supports that this missense variant has a deleterious effect on protein structure/function; Has not been previously published as pathogenic or benign to our knowledge.